The following is an entry in ClinVar:

NM_004655.4(AXIN2):c.2105G>A (p.Arg702His)

Gene: AXIN2 (axin 2; minus strand). Cytogenetic location: 17q24.1.
Variant type: single nucleotide variant.
Coding change: c.2105G>A on transcript NM_004655.4 (MANE Select); coding-DNA position 2105, G replaced by A.
Protein change: p.Arg702His; replaces arginine 702 with histidine.
Molecular consequence: missense variant.
Genome position (GRCh38, 1-based): chr17:65,536,356, C>T on the plus strand (G>A on the coding strand, the complement: AXIN2 is on the minus strand). VCF-style: chr17-65536356-C-T. GRCh37 (hg19) VCF-style: chr17-63532474-C-T.
Other names: c.2105G>A (LRG_296t1); c.1910G>A, p.Arg637His (NM_001363813.1); short protein forms R637H, R702H.
Identifiers: ClinVar variation 641256 (VCV000641256.8), dbSNP rs757100957, ClinGen allele CA8718409.

ClinVar aggregate classification (germline): Uncertain significance. Review status: criteria provided, multiple submitters, no conflicts (2 of 4 stars). 2 submissions from 2 submitters: Uncertain significance (2). Last evaluated 2025-03-10.

Conditions:
Hereditary cancer-predisposing syndrome. Also called: Neoplastic Syndromes, Hereditary; Tumor predisposition; Hereditary Cancer Syndrome; Hereditary neoplastic syndrome. Identifiers: Orphanet 140162, MedGen C0027672, MeSH D009386, MONDO:0015356.
Oligodontia-cancer predisposition syndrome. Also called: TOOTH AGENESIS-COLORECTAL CANCER SYNDROME. Identifiers: Orphanet 300576, MedGen C1837750, MONDO:0012075, OMIM 608615. Disease mechanism: loss of function.

Allele frequency attached by ClinVar (database versions not stated): gnomAD exomes below 0.00001 and 0.00001; ExAC 0.00001.
gnomAD v4.1: 2 of 1,613,318 alleles (0.00012%); highest among the groups gnomAD compares: Non-Finnish European, 0.00017%; no homozygotes.

Submissions (2):

Ambry Genetics
Classification: Uncertain significance for Hereditary cancer-predisposing syndrome. Last evaluated: 2025-03-10. Review status: criteria provided, single submitter. Criteria: Ambry Variant Classification Scheme 2023. Collection method: clinical testing. Allele origin: germline.
Comment: The p.R702H variant (also known as c.2105G>A), located in coding exon 7 of the AXIN2 gene, results from a G to A substitution at nucleotide position 2105. The arginine at codon 702 is replaced by histidine, an amino acid with highly similar properties. This amino acid position is highly conserved in available vertebrate species. In addition, this alteration is predicted to be deleterious by in silico analysis. Since supporting evidence is limited at this time, the clinical significance of this alteration remains unclear.

Labcorp Genetics (formerly Invitae), Labcorp
Classification: Uncertain significance for Oligodontia-cancer predisposition syndrome. Last evaluated: 2023-12-30. Review status: criteria provided, single submitter. Criteria: Invitae Variant Classification Sherloc (09022015). Collection method: clinical testing. Allele origin: germline.
Comment: This sequence change replaces arginine, which is basic and polar, with histidine, which is basic and polar, at codon 702 of the AXIN2 protein (p.Arg702His). This variant is present in population databases (rs757100957, gnomAD 0.002%). This variant has not been reported in the literature in individuals affected with AXIN2-related conditions. ClinVar contains an entry for this variant (Variation ID: 641256). Advanced modeling of protein sequence and biophysical properties (such as structural, functional, and spatial information, amino acid conservation, physicochemical variation, residue mobility, and thermodynamic stability) performed at Invitae indicates that this missense variant is expected to disrupt AXIN2 protein function with a positive predictive value of 80%. In summary, the available evidence is currently insufficient to determine the role of this variant in disease. Therefore, it has been classified as a Variant of Uncertain Significance.